The following is an entry in ClinVar:

ClinVar aggregate classification (germline): Uncertain significance (1 of 4 stars; one submission).

Submission:

Women's Health and Genetics/Laboratory Corporation of America, LabCorp
Classification: Uncertain significance. Last evaluated: 2019-05-24. Review status: criteria provided, single submitter. Criteria: LabCorp Variant Classification Summary - May 2015. Collection method: clinical testing. Allele origin: germline.
Comment: Variant summary: SMAD4 c.31A>T (p.Thr11Ser) results in a conservative amino acid change of the encoded protein sequence. Three of five in-silico tools predict a damaging effect of the variant on protein function. The variant was absent in 251334 control chromosomes. The available data on variant occurrences in the general population are insufficient to allow any conclusion about variant significance. To our knowledge, no occurrence of c.31A>T in individuals affected with Juvenile Polyposis Syndrome and no experimental evidence demonstrating its impact on protein function have been reported. No clinical diagnostic laboratories have submitted clinical-significance assessments for this variant to ClinVar after 2014. Based on the evidence outlined above, the variant was classified as uncertain significance.

NM_005359.6(SMAD4):c.31A>T (p.Thr11Ser)

Gene: SMAD4 (SMAD family member 4; plus strand). Cytogenetic location: 18q21.2.
Variant type: single nucleotide variant.
Coding change: c.31A>T on transcript NM_005359.6 (MANE Select); coding-DNA position 31, A replaced by T.
Protein change: p.Thr11Ser; replaces threonine 11 with serine.
Molecular consequence: missense variant.
Genome position (GRCh38, 1-based): chr18:51,047,077, A>T. VCF-style: chr18-51047077-A-T. GRCh37 (hg19) VCF-style: chr18-48573447-A-T.
Other names: short protein forms T11S.
Identifiers: ClinVar variation 928605 (VCV000928605.1), dbSNP rs587780791, ClinGen allele CA402457288.